The following is an entry in ClinVar:

NM_018006.5(TRMU):c.500_509del (p.Ala167fs)

Gene: TRMU (tRNA mitochondrial 2-thiouridylase; plus strand). Cytogenetic location: 22q13.31.
Variant type: Deletion.
Coding change: c.500_509del on transcript NM_018006.5 (MANE Select); coding-DNA positions 500 to 509, 10 bases deleted (CTGACAGCTT; older notation c.500_509delCTGACAGCTT).
Protein change: p.Ala167fs; shifts the reading frame from alanine 167.
Molecular consequence: frameshift variant. On other transcripts: intron variant (2).
Genome position (GRCh38, 1-based): chr22:46,350,312-46,350,321, CTGACAGCTT deleted. VCF-style (leftmost placement, unchanged base first): chr22-46350311-GCTGACAGCTT-G. GRCh37 (hg19) VCF-style: chr22-46746208-GCTGACAGCTT-G.
Other names: c.158_167del, p.Ala53fs (NM_001282782.2); c.500_509del, p.Ala167fs (NM_001282785.2); c.118-38_118-29del (NM_001282783.2, NM_001282784.2); short protein forms A167fs, A53fs.
Identifiers: ClinVar variation 5011501 (VCV005011501.1).
Genomic context (GRCh38, chr22:46,350,311, plus strand): 5'-TTTTATTCCTGCATCGTCTTTTGTTCTTTATTCTTGGCAGCGGTAAAACTCCTCCAGGCA[GCTGACAGCTT>G]TAAAGACCAGACCTTCTTTCTCAGCCAGGTTTCCCAGGATGCCCTGAGGAGAACCATCTT-3'

ClinVar aggregate classification (germline): Pathogenic (1 of 4 stars; one submission).

Conditions:
Acute infantile liver failure due to synthesis defect of mtDNA-encoded proteins. Also called: Liver failure acute infantile; LIVER FAILURE, INFANTILE, TRANSIENT; TRMU Deficiency. Identifiers: Orphanet 217371, MedGen C3278664, MONDO:0013111, OMIM 613070.

Submission:

Myriad Genetics, Inc.
Classification: Pathogenic for Acute infantile liver failure due to synthesis defect of mtDNA-encoded proteins. Last evaluated: 2024-05-14. Review status: criteria provided, single submitter. Criteria: Myriad Autosomal Dominant, Autosomal Recessive and X-Linked Classification Criteria (2023). Collection method: clinical testing. Allele origin: unknown.
Comment: NM_018006.4(TRMU):c.500_509del10(A167Vfs*16) is expected to be pathogenic in the context of acute liver failure, TRMU-related. This variant is predicted to lead to an abnormal or absent protein product due to the creation of a premature termination codon in TRMU, a gene where loss-of-function variants are known to be pathogenic. Please note: this variant was assessed in the context of healthy population screening.